The following is an entry in ClinVar:

ClinVar aggregate classification (germline): Uncertain significance. Review status: criteria provided, multiple submitters, no conflicts (2 of 4 stars). 2 submissions from 2 submitters: Uncertain significance (2). Last evaluated 2024-12-14.

Conditions:
Brugada syndrome 8 (BRGDA8). Identifiers: Orphanet 130, MedGen C2751083, MONDO:0013148, OMIM 613123.
Cardiovascular phenotype. Identifiers: MedGen CN230736.

gnomAD v4.1: 2 of 1,522,264 alleles (0.00013%); highest among the groups gnomAD compares: Non-Finnish European, 0.00018%; no homozygotes.

Submissions (2):

Ambry Genetics
Classification: Uncertain significance for Cardiovascular phenotype. Last evaluated: 2024-12-14. Review status: criteria provided, single submitter. Criteria: Ambry Variant Classification Scheme 2023. Collection method: clinical testing. Allele origin: germline.
Comment: The p.A1088P variant (also known as c.3262G>C), located in coding exon 8 of the HCN4 gene, results from a G to C substitution at nucleotide position 3262. The alanine at codon 1088 is replaced by proline, an amino acid with highly similar properties. This amino acid position is conserved. In addition, the in silico prediction for this alteration is inconclusive. Based on the available evidence, the clinical significance of this variant remains unclear.

Labcorp Genetics (formerly Invitae), Labcorp
Classification: Uncertain significance for Brugada syndrome 8. Last evaluated: 2022-06-10. Review status: criteria provided, single submitter. Criteria: Invitae Variant Classification Sherloc (09022015). Collection method: clinical testing. Allele origin: germline.
Comment: In summary, the available evidence is currently insufficient to determine the role of this variant in disease. Therefore, it has been classified as a Variant of Uncertain Significance. Advanced modeling of protein sequence and biophysical properties (such as structural, functional, and spatial information, amino acid conservation, physicochemical variation, residue mobility, and thermodynamic stability) performed at Invitae indicates that this missense variant is not expected to disrupt HCN4 protein function. This variant has not been reported in the literature in individuals affected with HCN4-related conditions. This variant is not present in population databases (gnomAD no frequency). This sequence change replaces alanine, which is neutral and non-polar, with proline, which is neutral and non-polar, at codon 1088 of the HCN4 protein (p.Ala1088Pro).

NM_005477.3(HCN4):c.3262G>C (p.Ala1088Pro)

Gene: HCN4 (hyperpolarization activated cyclic nucleotide gated potassium channel 4; minus strand). Cytogenetic location: 15q24.1.
Variant type: single nucleotide variant.
Coding change: c.3262G>C on transcript NM_005477.3 (MANE Select); coding-DNA position 3262, G replaced by C.
Protein change: p.Ala1088Pro; replaces alanine 1088 with proline.
Molecular consequence: missense variant.
Genome position (GRCh38, 1-based): chr15:73,322,831, C>G on the plus strand (G>C on the coding strand, the complement: HCN4 is on the minus strand). VCF-style: chr15-73322831-C-G. GRCh37 (hg19) VCF-style: chr15-73615172-C-G.
Other names: c.3262G>C (NM_005477.2); short protein forms A1088P.
Identifiers: ClinVar variation 1517361 (VCV001517361.7), dbSNP rs1050326641, ClinGen allele CA393085887.